The following is an entry in ClinVar:

NM_002224.4(ITPR3):c.1005+3G>A

Gene: ITPR3 (inositol 1,4,5-trisphosphate receptor type 3; plus strand). Cytogenetic location: 6p21.31.
Variant type: single nucleotide variant.
Coding change: c.1005+3G>A on transcript NM_002224.4 (MANE Select); 3 bases into the intron after coding-DNA position 1005, G replaced by A.
Molecular consequence: intron variant.
Genome position (GRCh38, 1-based): chr6:33,663,553, G>A. VCF-style: chr6-33663553-G-A. GRCh37 (hg19) VCF-style: chr6-33631330-G-A.
Identifiers: ClinVar variation 5041852 (VCV005041852.1).
Genomic context (GRCh38, chr6:33,663,553, plus strand): 5'-TGTCCAGGAGAACCCCAGTTACAAAGGTGATGCCTCAGATCCCAAGGCAGCAGGAATGGT[G>A]AGGAGCAAAGCAGGTCTCCAGTGAGACCATGGGCCTGCCCTGGGGGTAGGCGGGGGCAGG-3'

ClinVar aggregate classification (germline): Uncertain significance (1 of 4 stars; one submission).

Submission:

CeGaT Center for Human Genetics Tuebingen
Classification: Uncertain significance. Last evaluated: 2026-09-01. Review status: criteria provided, single submitter. Criteria: CeGaT Center For Human Genetics Tuebingen Variant Classification Criteria Version 2. Collection method: clinical testing. Allele origin: germline. Affected: yes. Observed: 1 variant allele.
Comment: ITPR3: PM2